The following is an entry in ClinVar:

NM_000179.3(MSH6):c.3173-14CT[4]

Gene: MSH6 (mutS homolog 6; plus strand). Cytogenetic location: 2p16.3.
Variant type: Microsatellite.
Coding change: c.3173-14CT[4] on transcript NM_000179.3 (MANE Select); four copies in a row of the 2-base unit CT starting at c.3173-14; the reference has three copies in a row; one copy, 2 bases duplicated.
Molecular consequence: intron variant.
Genome position (GRCh38, 1-based): chr2:47,803,410-47,803,411, CT duplicated; duplicating any 2 consecutive bases within chr2:47,803,406-47,803,411 gives the same sequence; the position shown is the placement nearest the transcript's 3' end. VCF-style (leftmost placement, unchanged base first): chr2-47803405-C-CCT. GRCh37 (hg19) VCF-style: chr2-48030544-C-CCT.
Other names: c.3173-14CT[4] (NM_001406809.1, NM_001406796.1, NM_001406808.1 and 1 more transcripts); c.2267-14CT[4] (NM_001406811.1, NM_001406814.1, NM_001281493.2 and 6 more transcripts); c.2876-14CT[4] (NM_001406805.1, NM_001406797.1, NM_001406801.1 and 10 more transcripts); c.3269-14CT[4] (NM_001406795.1, NM_001406802.1); c.3179-14CT[4] (NM_001406813.1); c.2648-14CT[4] (NM_001406807.1, NM_001406799.1, NM_001406806.1); c.3173-188CT[4] (NM_001406798.1); c.2309-14CT[4] (NM_001406803.1); and 7 more.
Identifiers: ClinVar variation 3904654 (VCV003904654.1).

ClinVar aggregate classification (germline): Likely benign (1 of 4 stars; one submission).

Conditions:
Lynch syndrome 5 (LYNCH5). Also called: Colorectal cancer, hereditary nonpolyposis, type 5; Hereditary non-polyposis colorectal cancer, type 5. Identifiers: Orphanet 144, MedGen C1833477, MONDO:0013710, OMIM 614350. Disease mechanism: loss of function.

Submission:

Myriad Genetics, Inc.
Classification: Likely benign for Lynch syndrome 5. Last evaluated: 2025-01-03. Review status: criteria provided, single submitter. Criteria: Myriad Autosomal Dominant, Autosomal Recessive and X-Linked Classification Criteria (2023). Collection method: clinical testing. Allele origin: unknown.
Comment: This variant is considered likely benign. This variant is intronic and is not expected to impact mRNA splicing.